The following is an entry in ClinVar:

NM_014991.6(WDFY3):c.4156G>T (p.Ala1386Ser)

Gene: WDFY3 (WD repeat and FYVE domain containing 3; minus strand). Cytogenetic location: 4q21.23.
Variant type: single nucleotide variant.
Coding change: c.4156G>T on transcript NM_014991.6 (MANE Select); coding-DNA position 4156, G replaced by T.
Protein change: p.Ala1386Ser; replaces alanine 1386 with serine.
Molecular consequence: missense variant.
Genome position (GRCh38, 1-based): chr4:84,782,981, C>A on the plus strand (G>T on the coding strand, the complement: WDFY3 is on the minus strand). VCF-style: chr4-84782981-C-A. GRCh37 (hg19) VCF-style: chr4-85704134-C-A.
Other names: short protein forms A1386S.
Identifiers: ClinVar variation 5041036 (VCV005041036.1).

ClinVar aggregate classification (germline): Uncertain significance (1 of 4 stars; one submission).

gnomAD v4.1: 7 of 1,613,852 alleles (0.00043%); highest among the groups gnomAD compares: Non-Finnish European, 0.00059%; no homozygotes.

Submission:

CeGaT Center for Human Genetics Tuebingen
Classification: Uncertain significance. Last evaluated: 2026-09-01. Review status: criteria provided, single submitter. Criteria: CeGaT Center For Human Genetics Tuebingen Variant Classification Criteria Version 2. Collection method: clinical testing. Allele origin: germline. Affected: yes. Observed: 1 variant allele.
Comment: WDFY3: PM2, BP4